The following is an entry in ClinVar:

NM_018085.5(IPO9):c.2144A>G (p.Glu715Gly)

Gene: IPO9 (importin 9; plus strand). Cytogenetic location: 1q32.1.
Variant type: single nucleotide variant.
Coding change: c.2144A>G on transcript NM_018085.5 (MANE Select); coding-DNA position 2144, A replaced by G.
Protein change: p.Glu715Gly; replaces glutamic acid 715 with glycine.
Molecular consequence: missense variant.
Genome position (GRCh38, 1-based): chr1:201,870,593, A>G. VCF-style: chr1-201870593-A-G. GRCh37 (hg19) VCF-style: chr1-201839721-A-G.
Other names: short protein forms E715G.
Identifiers: ClinVar variation 3344633 (VCV003344633.1).

ClinVar aggregate classification (germline): Uncertain significance (0 of 4 stars; one submission).

Conditions:
IPO9-related condition.

Submission:

PreventionGenetics, part of Exact Sciences
Classification: Uncertain significance for IPO9-related condition. Last evaluated: 2024-06-24. Review status: no assertion criteria provided. Collection method: clinical testing. Allele origin: germline.
Comment: The IPO9 c.2144A>G variant is predicted to result in the amino acid substitution p.Glu715Gly. To our knowledge, this variant has not been reported in the literature or in a large population database, indicating this variant is rare. At this time, the clinical significance of this variant is uncertain due to the absence of conclusive functional and genetic evidence.